The following is an entry in ClinVar:

NM_000368.5(TSC1):c.2814A>C (p.Arg938Ser)

Gene: TSC1 (TSC complex subunit 1; minus strand). Cytogenetic location: 9q34.13.
Variant type: single nucleotide variant.
Coding change: c.2814A>C on transcript NM_000368.5 (MANE Select); coding-DNA position 2814, A replaced by C.
Protein change: p.Arg938Ser; replaces arginine 938 with serine.
Molecular consequence: missense variant.
Genome position (GRCh38, 1-based): chr9:132,897,345, T>G on the plus strand (A>C on the coding strand, the complement: TSC1 is on the minus strand). VCF-style: chr9-132897345-T-G. GRCh37 (hg19) VCF-style: chr9-135772732-T-G.
Other names: c.2811A>C, p.Arg937Ser (NM_001162426.2); c.2661A>C, p.Arg887Ser (NM_001162427.2); c.2451A>C, p.Arg817Ser (NM_001362177.2); short protein forms R937S, R938S, R887S, R817S.
Identifiers: ClinVar variation 655917 (VCV000655917.9), dbSNP rs1439157444, ClinGen allele CA375368953.

ClinVar aggregate classification (germline): Uncertain significance. Review status: criteria provided, multiple submitters, no conflicts (2 of 4 stars). 2 submissions from 2 submitters: Uncertain significance (2). Last evaluated 2025-04-28.

Conditions:
Tuberous sclerosis 1 (TSC1). Identifiers: Orphanet 805, MedGen C1854465, MONDO:0008612, OMIM 191100.
Hereditary cancer-predisposing syndrome. Also called: Neoplastic Syndromes, Hereditary; Hereditary neoplastic syndrome; Hereditary Cancer Syndrome; Tumor predisposition. Identifiers: Orphanet 140162, MedGen C0027672, MeSH D009386, MONDO:0015356.

Allele frequency attached by ClinVar (database versions not stated): gnomAD exomes below 0.00001 and 0.00001.

Submissions (2):

Labcorp Genetics (formerly Invitae), Labcorp
Classification: Uncertain significance for Tuberous sclerosis 1. Last evaluated: 2025-04-28. Review status: criteria provided, single submitter. Criteria: Invitae Variant Classification Sherloc (09022015). Collection method: clinical testing. Allele origin: germline.
Comment: This sequence change replaces arginine, which is basic and polar, with serine, which is neutral and polar, at codon 938 of the TSC1 protein (p.Arg938Ser). This variant is present in population databases (no rsID available, gnomAD 0.0009%). This variant has not been reported in the literature in individuals affected with TSC1-related conditions. ClinVar contains an entry for this variant (Variation ID: 655917). Invitae Evidence Modeling of protein sequence and biophysical properties (such as structural, functional, and spatial information, amino acid conservation, physicochemical variation, residue mobility, and thermodynamic stability) indicates that this missense variant is not expected to disrupt TSC1 protein function with a negative predictive value of 95%. In summary, the available evidence is currently insufficient to determine the role of this variant in disease. Therefore, it has been classified as a Variant of Uncertain Significance.

Ambry Genetics
Classification: Uncertain significance for Hereditary cancer-predisposing syndrome. Last evaluated: 2024-03-08. Review status: criteria provided, single submitter. Criteria: Ambry Variant Classification Scheme 2023. Collection method: clinical testing. Allele origin: germline.
Comment: The p.R938S variant (also known as c.2814A>C) is located in coding exon 20 of the TSC1 gene. The arginine at codon 938 is replaced by serine, an amino acid with dissimilar properties. This change occurs in the first base pair of coding exon 20. This amino acid position is conserved. In addition, this alteration is predicted to be tolerated by in silico analysis. Based on the available evidence, the clinical significance of this alteration remains unclear.